The following is an entry in ClinVar:

ClinVar aggregate classification (germline): Pathogenic. Review status: reviewed by expert panel (3 of 4 stars). 2 submissions from 2 submitters: Pathogenic (1). 1 of the submissions does not count toward it. Last evaluated 2024-02-01.

Conditions:
X-linked severe combined immunodeficiency (SCIDX1). Also called: X-Linked Combined Immunodeficiency Diseases; IMMUNODEFICIENCY 4; SCID, X-LINKED; SEVERE COMBINED IMMUNODEFICIENCY, X-LINKED, T CELL-NEGATIVE, B CELL-POSITIVE, NK CELL-NEGATIVE; T-B+ severe combined immunodeficiency due to gamma chain deficiency. Identifiers: Orphanet 276, MedGen C6022468, MONDO:0010315, OMIM 300400. Disease mechanism: loss of function.

Submissions (2):

ClinGen Severe Combined Immunodeficiency Variant Curation Expert Panel, ClinGen
Classification: Pathogenic for X-linked severe combined immunodeficiency. Last evaluated: 2024-02-01. Review status: reviewed by expert panel. Criteria: ClinGen SCID ACMG Specifications IL2RG V1.0.0. Collection method: curation. Allele origin: germline. Inheritance: X-linked inheritance.
Comment: The c.207C>A (p.Tyr69Ter)(NM_000206.3) variant in IL2RG is a nonsense variant predicted to cause a premature stop codon in biologically-relevant-exon 2/8 leading to nonsense-mediated decay in a gene in which loss-of-function is an established disease mechanism (PVS1).The variant is absent in gnomAD v4 (PM2_supporting). (PP4) (PMID: 19398866). In summary, this variant meets the criteria to be classified as a Pathogenic variant for X-linked severe combined immunodeficiency due to IL2RG deficiency based on the ACMG/AMP criteria applied, as specified by the ClinGen SCID VCEP: PVS1,PM2_supporting,PP4 (VCEP specifications version 1).

Labcorp Genetics (formerly Invitae), Labcorp
Classification: Pathogenic for X-linked severe combined immunodeficiency. Last evaluated: 2020-01-21. Review status: criteria provided, single submitter. Criteria: Invitae Variant Classification Sherloc (09022015). Collection method: clinical testing. Allele origin: germline. Not counted in ClinVar's aggregate classification.
Comment: For these reasons, this variant has been classified as Pathogenic. Loss-of-function variants in IL2RG are known to be pathogenic (PMID: 9058718, 10794430). This variant has been observed in an individual affected with x-linked severe combined immunodeficiency (PMID: 19398866). This variant is also known as 221C>A in the literature. This variant is not present in population databases (ExAC no frequency). This sequence change creates a premature translational stop signal (p.Tyr69*) in the IL2RG gene. It is expected to result in an absent or disrupted protein product.

Literature cited by the submitters: PubMed 9058718 (cited by Labcorp Genetics (formerly Invitae), Labcorp); PubMed 10794430 (cited by Labcorp Genetics (formerly Invitae), Labcorp); PubMed 19398866 (cited by Labcorp Genetics (formerly Invitae), Labcorp).

NM_000206.3(IL2RG):c.207C>A (p.Tyr69Ter)

Gene: IL2RG (interleukin 2 receptor subunit gamma; minus strand). Cytogenetic location: Xq13.1.
Variant type: single nucleotide variant.
Coding change: c.207C>A on transcript NM_000206.3 (MANE Select); coding-DNA position 207, C replaced by A.
Protein change: p.Tyr69Ter; replaces tyrosine 69 with a stop codon.
Molecular consequence: nonsense.
Genome position (GRCh38, 1-based): chrX:71,110,959, G>T on the plus strand (C>A on the coding strand, the complement: IL2RG is on the minus strand). VCF-style: chrX-71110959-G-T. GRCh37 (hg19) VCF-style: chrX-70330809-G-T.
Other names: NM_000206.3(IL2RG):c.207C>A; p.Tyr69Ter; short protein forms Y69*.
Identifiers: ClinVar variation 941327 (VCV000941327.10), dbSNP rs1282558220, ClinGen allele CA413497107.